The following continues an entry in ClinVar:

NM_000059.4(BRCA2):c.5351del (p.Asn1784fs)

Gene: BRCA2. ClinVar aggregate classification (germline): Pathogenic. Pathogenic (1). ClinVar aggregate classification (oncogenicity): Oncogenic.

Submissions 13 to 18 of 18:

Women's Health and Genetics/Laboratory Corporation of America, LabCorp
Classification: Pathogenic for Hereditary breast ovarian cancer syndrome. Last evaluated: 2022-03-28. Review status: criteria provided, single submitter. Criteria: LabCorp Variant Classification Summary - May 2015. Collection method: clinical testing. Allele origin: germline. Not counted in ClinVar's aggregate classification.
Comment: Variant summary: BRCA2 c.5351delA (p.Asn1784ThrfsX7) results in a premature termination codon, predicted to cause a truncation of the encoded protein or absence of the protein due to nonsense mediated decay, which are commonly known mechanisms for disease. Truncations downstream of this position have been classified as pathogenic by our laboratory. The variant was absent in 250394 control chromosomes. c.5351delA has been reported in the literature in multiple individuals affected with Hereditary Breast And Ovarian Cancer Syndrome (example, Gayther_1997, Thomassen_2008, Kang_2015, Wong-Brown_2015). These data indicate that the variant is very likely to be associated with disease. To our knowledge, no experimental evidence demonstrating an impact on protein function has been reported. Multiple clinical diagnostic laboratories, an expert panel (ENIGMA) and a consortium (CIMBA) have submitted clinical-significance assessments for this variant to ClinVar after 2014 without evidence for independent evaluation. All submitters classified the variant as pathogenic. Based on the evidence outlined above, the variant was classified as pathogenic.

ARUP Laboratories, Molecular Genetics and Genomics, ARUP Laboratories
Classification: Pathogenic. Last evaluated: 2022-02-07. Review status: criteria provided, single submitter. Criteria: ARUP Molecular Germline Variant Investigation Process 2021. Collection method: clinical testing. Allele origin: germline. Not counted in ClinVar's aggregate classification.
Comment: The BRCA2 c.5351delA; p.Asn1784ThrfsTer7 variant (rs80359507), also known as c.5573delA/c.5579delA, is reported in the literature in individuals affected with prostate cancer (Roed Nielsen 2016), ovarian cancer (Gayther 1997, Chan 2018), and HBOC syndrome (Palmero, 2018, Ow 2019). This variant is also reported in ClinVar (Variation ID: 37961) and interpreted by the expert panel ENIGMA as pathogenic (Spurdle 2012). This variant is absent from the Genome Aggregation Database, indicating it is not a common polymorphism. This variant causes a frameshift by deleting a single nucleotide, so it is predicted to result in a truncated protein or mRNA subject to nonsense-mediated decay. Based on available information, this variant is considered to be pathogenic. References: Chan et al. Clinical genetic testing outcome with multi-gene panel in Asian patients with multiple primary cancers. Oncotarget. 2018 Jul 17;9(55):30649-30660. PMID: 30093976. Gayther SA et al. Variation of risks of breast and ovarian cancer associated with different germline mutations of the BRCA2 gene. Nat Genet. 1997 Jan;15(1):103-5. PMID: 8988179. Ow SGW et al. PLoS One. 2019 Mar 15;14(3):e0213746. PMID: 30875412. Palmero EI et al. The germline mutational landscape of BRCA1 and BRCA2 in Brazil. Sci Rep. 2018 Jun 15;8(1):9188. PMID: 29907814. Roed Nielsen H et al. Increased risk of male cancer and identification of a potential prostate cancer cluster region in BRCA2. Acta Oncol. 2016;55(1):38-44. PMID: 26360800. Spurdle AB et al. ENIGMA--evidence-based network for the interpretation of germline mutant alleles: an international initiative to evaluate risk and clinical significance associated with sequence variation in BRCA1 and BRCA2 genes. Hum Mutat. 2012 Jan;33(1):2-7. PMID: 21990146.

Quest Diagnostics Nichols Institute San Juan Capistrano
Classification: Pathogenic. Last evaluated: 2021-05-28. Review status: criteria provided, single submitter. Criteria: Quest Diagnostics criteria. Collection method: clinical testing. Allele origin: unknown. Not counted in ClinVar's aggregate classification.
Comment: This frameshift variant causes the premature termination of BRCA2 protein synthesis. In addition, it has been reported in individuals with breast or ovarian cancer in the published literature ((PMID: 29907814 (2018), 30093976 (2018), 25863477 (2015), 25682074 (2015), 22798144 (2012), 10486320 (1999), 8988179 (1997)). Based on the available information, this variant is classified as pathogenic.

Consortium of Investigators of Modifiers of BRCA1/2 (CIMBA), c/o University of Cambridge
Classification: Pathogenic for Breast-ovarian cancer, familial, susceptibility to, 2. Last evaluated: 2015-10-02. Review status: criteria provided, single submitter. Criteria: CIMBA Mutation Classification guidelines May 2016. Collection method: clinical testing. Allele origin: germline. Not counted in ClinVar's aggregate classification.

Sharing Clinical Reports Project (SCRP)
Classification: Pathogenic for Breast-ovarian cancer, familial 2. Last evaluated: 2011-03-18. Review status: no assertion criteria provided. Collection method: clinical testing. Allele origin: germline. Not counted in ClinVar's aggregate classification.

Breast Cancer Information Core (BIC) (BRCA2)
Classification: Pathogenic for Breast-ovarian cancer, familial 2. Last evaluated: 1997-11-13. Review status: no assertion criteria provided. Collection method: clinical testing. Allele origin: germline, unknown. Affected: yes. Observed: 5 variant alleles. Not counted in ClinVar's aggregate classification.

Literature cited by the submitters: PubMed 20104584 (cited by Labcorp Genetics (formerly Invitae), Labcorp and Quest Diagnostics Nichols Institute San Juan Capistrano); PubMed 8988179 (cited by 6 submitters); PubMed 22923021 (cited by 3 submitters); PubMed 25863477 (cited by 6 submitters); PubMed 26360800 (cited by 5 submitters); PubMed 22798144 (cited by 4 submitters); PubMed 29907814 (cited by 4 submitters); PubMed 30093976 (cited by Center for Genomic Medicine, Rigshospitalet, Copenhagen University Hospital and Quest Diagnostics Nichols Institute San Juan Capistrano); PubMed 11207042 (cited by All of Us Research Program, National Institutes of Health and Color Diagnostics, LLC DBA Color Health); PubMed 18465347 (cited by 4 submitters); PubMed 25682074 (cited by 4 submitters); PubMed 29383094 (cited by All of Us Research Program, National Institutes of Health and Color Diagnostics, LLC DBA Color Health); PubMed 33471991 (cited by All of Us Research Program, National Institutes of Health and Color Diagnostics, LLC DBA Color Health); PubMed 10486320 (cited by Women's Health and Genetics/Laboratory Corporation of America, LabCorp and Quest Diagnostics Nichols Institute San Juan Capistrano); PubMed 33054725 (cited by Quest Diagnostics Nichols Institute San Juan Capistrano).